The following is an entry in ClinVar:

ClinVar aggregate classification (germline): Uncertain significance (1 of 4 stars; one submission).

gnomAD v4.1: 1 of 1,603,260 alleles (0.000062%); highest among the groups gnomAD compares: Admixed American, 0.0017%; no homozygotes.

Submission:

Ambry Genetics
Classification: Uncertain significance. Last evaluated: 2025-11-12. Review status: criteria provided, single submitter. Criteria: Ambry Variant Classification Scheme 2023. Collection method: clinical testing. Allele origin: germline.
Comment: The c.739-2A>G intronic variant results from an A to G substitution two nucleotides upstream from coding exon 4 in the PALLD gene. This nucleotide position is highly conserved in available vertebrate species. In silico splice site analysis predicts that this alteration will weaken the native splice acceptor site. The evidence for this gene-disease relationship is limited; therefore, the clinical significance of this alteration is unclear.

NM_001166108.2(PALLD):c.2251-2A>G

Genes: CBR4 (carbonyl reductase 4; minus strand), PALLD (palladin, cytoskeletal associated protein; plus strand). Cytogenetic location: 4q32.3.
Variant type: single nucleotide variant.
Coding change: c.2251-2A>G on transcript NM_001166108.2 (MANE Select); the canonical splice acceptor site of the intron before coding-DNA position 2251, A replaced by G.
Molecular consequence: splice acceptor variant.
Genome position (GRCh38, 1-based): chr4:168,898,491, A>G. VCF-style: chr4-168898491-A-G. GRCh37 (hg19) VCF-style: chr4-169819642-A-G.
Other names: c.2200-2A>G (NM_016081.4); c.1054-2A>G (NM_001166109.2); c.739-2A>G (NM_001166110.2); c.130-2A>G (NM_001367570.1, NM_001367568.1); c.79-2A>G (NM_001367567.1, NM_001367569.1).
Identifiers: ClinVar variation 4564132 (VCV004564132.1).
Genomic context (GRCh38, chr4:168,898,491, plus strand): 5'-GAGAGACGTGACACTTTGTCAGAAGGGATTGAGTCTGCTAACTTAAACTTTCCTTGATTC[A>G]GGAATACAAAGTCTCCAGCTGTGAACAGAGACTCATCAGTGAAATAGAGTACAGGCTAGA-3'